The following is an entry in ClinVar:

NM_182692.3(SRPK2):c.1746G>A (p.Ala582=)

Gene: SRPK2 (SRSF protein kinase 2; minus strand). Cytogenetic location: 7q22.3.
Variant type: single nucleotide variant.
Coding change: c.1746G>A on transcript NM_182692.3 (MANE Select); coding-DNA position 1746, G replaced by A.
Protein change: p.Ala582=; no amino-acid change (alanine 582 retained).
Molecular consequence: synonymous variant.
Genome position (GRCh38, 1-based): chr7:105,132,797, C>T on the plus strand (G>A on the coding strand, the complement: SRPK2 is on the minus strand). VCF-style: chr7-105132797-C-T. GRCh37 (hg19) VCF-style: chr7-104773244-C-T.
Other names: c.1713G>A, p.Ala571= (NM_001278273.2, NM_001350738.2, NM_001350739.2 and 3 more transcripts); c.1857G>A, p.Ala619= (NM_001350740.2); c.1746G>A, p.Ala582= (NM_001350741.2); c.1824G>A, p.Ala608= (NM_001350742.2, NM_001350746.2); c.1575G>A, p.Ala525= (NM_001350745.2).
Identifiers: ClinVar variation 3044526 (VCV003044526.2), dbSNP rs371115678, ClinGen allele CA4425161.

ClinVar aggregate classification (germline): Likely benign (0 of 4 stars; one submission).

Conditions:
SRPK2-related disorder. Also called: SRPK2-related condition.

Allele frequency attached by ClinVar (database versions not stated): ESP Exome Variant Server 0.00008; gnomAD 0.00013; 1000 Genomes Project 30x 0.00031; 1000 Genomes Project 0.00040; ExAC 0.00055.
gnomAD v4.1: 353 of 1,606,798 alleles (0.022%); highest among the groups gnomAD compares: South Asian, 0.34%; 7 homozygotes.

Submission:

PreventionGenetics, part of Exact Sciences
Classification: Likely benign for SRPK2-related condition. Last evaluated: 2019-02-28. Review status: no assertion criteria provided. Collection method: clinical testing. Allele origin: germline.
Comment: This variant is classified as likely benign based on ACMG/AMP sequence variant interpretation guidelines (Richards et al. 2015 PMID: 25741868, with internal and published modifications).